The following is an entry in ClinVar:

ClinVar aggregate classification (germline): Pathogenic (1 of 4 stars; one submission).

Conditions:
Vici syndrome (VICIS). Identifiers: Orphanet 1493, MedGen C1855772, MONDO:0009452, OMIM 242840.

Submission:

Labcorp Genetics (formerly Invitae), Labcorp
Classification: Pathogenic for Vici syndrome. Last evaluated: 2023-12-24. Review status: criteria provided, single submitter. Criteria: Invitae Variant Classification Sherloc (09022015). Collection method: clinical testing. Allele origin: germline.
Comment: This sequence change creates a premature translational stop signal (p.Leu1500*) in the EPG5 gene. It is expected to result in an absent or disrupted protein product. Loss-of-function variants in EPG5 are known to be pathogenic (PMID: 23222957, 23674064). This variant is not present in population databases (gnomAD no frequency). This variant has not been reported in the literature in individuals affected with EPG5-related conditions. For these reasons, this variant has been classified as Pathogenic.

Literature cited by the submitters: PubMed 23222957; PubMed 23674064.

NM_020964.3(EPG5):c.4499T>A (p.Leu1500Ter)

Gene: EPG5 (ectopic P-granules 5 autophagy tethering factor; minus strand). Cytogenetic location: 18q21.1.
Variant type: single nucleotide variant.
Coding change: c.4499T>A on transcript NM_020964.3 (MANE Select); coding-DNA position 4499, T replaced by A.
Protein change: p.Leu1500Ter; replaces leucine 1500 with a stop codon.
Molecular consequence: nonsense.
Genome position (GRCh38, 1-based): chr18:45,901,143, A>T on the plus strand (T>A on the coding strand, the complement: EPG5 is on the minus strand). VCF-style: chr18-45901143-A-T. GRCh37 (hg19) VCF-style: chr18-43481108-A-T.
Other names: c.4499T>A, p.Leu1500Ter (NM_001410858.1, NM_001410859.1); short protein forms L1500*.
Identifiers: ClinVar variation 2805679 (VCV002805679.3), dbSNP rs2511711755, ClinGen allele CA402337941.